The following is an entry in ClinVar:

ClinVar aggregate classification (germline): Benign. Review status: criteria provided, multiple submitters, no conflicts (2 of 4 stars). 3 submissions from 3 submitters: Benign (3). Last evaluated 2026-02-04.

Conditions:
Autosomal recessive congenital ichthyosis 3 (ARCI3). Also called: ICHTHYOSIS, LAMELLAR, 5. Identifiers: MedGen C3539888, MONDO:0011680, OMIM 606545.

Allele frequency attached by ClinVar (database versions not stated): gnomAD exomes 0.00640 and 0.01586; ExAC 0.01833; ESP Exome Variant Server 0.03483; TOPMed 0.03559; 1000 Genomes Project 0.04533; 1000 Genomes Project 30x 0.04856.
gnomAD v4.1: 14,570 of 1,613,646 alleles (0.9%); highest among the groups gnomAD compares: African/African-American, 11%; 636 homozygotes.

Submissions (8):

Labcorp Genetics (formerly Invitae), Labcorp
Classification: Benign. Last evaluated: 2026-02-04. Review status: criteria provided, single submitter. Criteria: Invitae Variant Classification Sherloc (09022015). Collection method: clinical testing. Allele origin: germline.

Illumina Laboratory Services, Illumina
Classification: Benign for Autosomal recessive congenital ichthyosis 3. Last evaluated: 2018-01-13. Review status: criteria provided, single submitter. Criteria: ICSL Variant Classification Criteria 13 December 2019. Collection method: clinical testing. Allele origin: germline.
Comment: This variant was observed in the ICSL laboratory as part of a predisposition screen in an ostensibly healthy population. It had not been previously curated by ICSL or reported in the Human Gene Mutation Database (HGMD: prior to June 1st, 2018), and was therefore a candidate for classification through an automated scoring system. Utilizing variant allele frequency, disease prevalence and penetrance estimates, and inheritance mode, an automated score was calculated to assess if this variant is too frequent to cause the disease. Based on the score and internal cut-off values, a variant classified as benign is not then subjected to further curation. The score for this variant resulted in a classification of benign for this disease.

Breakthrough Genomics
Classification: Benign. Review status: criteria provided, single submitter. Criteria: ACMG Guidelines, 2015. Collection method: not provided. Allele origin: germline. Inheritance: Autosomal recessive inheritance. Affected: yes.

Dr. Peter K. Rogan Lab, Western University
No classification provided (evidence only). Condition: Malignant tumor of esophagus. Review status: no classification provided. Collection method: in vitro. Allele origin: not applicable. Functional consequence: retained intron. Not counted in ClinVar's aggregate classification.

Dr. Peter K. Rogan Lab, Western University
No classification provided (evidence only). Condition: Cervical cancer. Review status: no classification provided. Collection method: in vitro. Allele origin: not applicable. Functional consequence: retained intron. Not counted in ClinVar's aggregate classification.

Dr. Peter K. Rogan Lab, Western University
No classification provided (evidence only). Condition: Ovarian serous cystadenocarcinoma. Review status: no classification provided. Collection method: in vitro. Allele origin: not applicable. Functional consequence: retained intron. Not counted in ClinVar's aggregate classification.

Dr. Peter K. Rogan Lab, Western University
No classification provided (evidence only). Condition: Malignant tumor of esophagus. Review status: no classification provided. Collection method: in vitro. Allele origin: not applicable. Functional consequence: retained intron. Not counted in ClinVar's aggregate classification.

Dr. Peter K. Rogan Lab, Western University
No classification provided (evidence only). Condition: Malignant tumor of esophagus. Review status: no classification provided. Collection method: in vitro. Allele origin: not applicable. Functional consequence: retained intron. Not counted in ClinVar's aggregate classification.

NM_021628.3(ALOXE3):c.1543A>G (p.Ile515Val)

Gene: ALOXE3 (arachidonate epidermal lipoxygenase 3; minus strand). Cytogenetic location: 17p13.1.
Variant type: single nucleotide variant.
Coding change: c.1543A>G on transcript NM_021628.3 (MANE Select); coding-DNA position 1543, A replaced by G.
Protein change: p.Ile515Val; replaces isoleucine 515 with valine.
Molecular consequence: missense variant.
Genome position (GRCh38, 1-based): chr17:8,109,193, T>C on the plus strand (A>G on the coding strand, the complement: ALOXE3 is on the minus strand). VCF-style: chr17-8109193-T-C. GRCh37 (hg19) VCF-style: chr17-8012511-T-C.
Other names: c.1939A>G, p.Ile647Val (NM_001165960.1); c.1540A>G, p.Ile514Val (NM_001369446.1); short protein forms I647V, I515V, I514V.
Identifiers: ClinVar variation 325967 (VCV000325967.14), dbSNP rs3027205, ClinGen allele CA8368064.